The following is an entry in ClinVar:

NM_025179.4(PLXNA2):c.3968G>A (p.Arg1323Gln)

Gene: PLXNA2 (plexin A2; minus strand). Cytogenetic location: 1q32.2.
Variant type: single nucleotide variant.
Coding change: c.3968G>A on transcript NM_025179.4 (MANE Select); coding-DNA position 3968, G replaced by A.
Protein change: p.Arg1323Gln; replaces arginine 1323 with glutamine.
Molecular consequence: missense variant.
Genome position (GRCh38, 1-based): chr1:208,043,110, C>T on the plus strand (G>A on the coding strand, the complement: PLXNA2 is on the minus strand). VCF-style: chr1-208043110-C-T. GRCh37 (hg19) VCF-style: chr1-208216455-C-T.
Other names: c.3968G>A (NM_025179.3); short protein forms R1323Q.
Identifiers: ClinVar variation 1415254 (VCV001415254.10), dbSNP rs374038859, ClinGen allele CA1373020.
Genomic context (GRCh38, chr1:208,043,110, plus strand): 5'-GCAGGCATTACCTCCAGCTCCCGCAGGACGGGGTGGTCCTCGATGCCCGGGAACAGGACT[C>T]GCATAGCGTAGGTACGATAGTCCAGGTAAGGGATTCCTGAGCGGTCCAGGTCACTGGTCA-3'
Protein context (NP_079455.3, residues 1313-1333): PYLDYRTYAM[Arg1323Gln]VLFPGIEDHP

ClinVar aggregate classification (germline): Uncertain significance. Review status: criteria provided, multiple submitters, no conflicts (2 of 4 stars). 3 submissions from 3 submitters: Uncertain significance (3). Last evaluated 2026-03-18.

Conditions:
PLXNA2-related disorder. Also called: PLXNA2-related condition.

Allele frequency attached by ClinVar (database versions not stated): ExAC 0.00001; gnomAD 0.00001; gnomAD exomes 0.00001; TOPMed 0.00002; ESP Exome Variant Server 0.00008; 1000 Genomes Project 0.00020.
gnomAD v4.1: 12 of 1,614,102 alleles (0.00074%); highest among the groups gnomAD compares: Non-Finnish European, 0.001%; no homozygotes.

Submissions (3):

PreventionGenetics, part of Exact Sciences
Classification: Uncertain significance for PLXNA2-related condition. Last evaluated: 2026-03-18. Review status: criteria provided, single submitter. Criteria: ACMG Guidelines, 2015. Collection method: clinical testing. Allele origin: germline.
Comment: The PLXNA2 c.3968G>A variant is predicted to result in the amino acid substitution p.Arg1323Gln. To our knowledge, this variant has not been reported in the literature. This variant is reported in 0.0033% of alleles in individuals of South Asian descent in gnomAD. At this time, the clinical significance of this variant is uncertain due to the absence of conclusive functional and genetic evidence.

Ambry Genetics
Classification: Uncertain significance. Last evaluated: 2025-06-18. Review status: criteria provided, single submitter. Criteria: Ambry Variant Classification Scheme 2023. Collection method: clinical testing. Allele origin: germline.

Labcorp Genetics (formerly Invitae), Labcorp
Classification: Uncertain significance. Last evaluated: 2022-08-26. Review status: criteria provided, single submitter. Criteria: Invitae Variant Classification Sherloc (09022015). Collection method: clinical testing. Allele origin: germline.
Comment: In summary, the available evidence is currently insufficient to determine the role of this variant in disease. Therefore, it has been classified as a Variant of Uncertain Significance. Algorithms developed to predict the effect of missense changes on protein structure and function are either unavailable or do not agree on the potential impact of this missense change (SIFT: "Deleterious"; PolyPhen-2: "Probably Damaging"; Align-GVGD: "Class C0"). ClinVar contains an entry for this variant (Variation ID: 1415254). This variant has not been reported in the literature in individuals affected with PLXNA2-related conditions. This variant is present in population databases (rs374038859, gnomAD 0.003%). This sequence change replaces arginine, which is basic and polar, with glutamine, which is neutral and polar, at codon 1323 of the PLXNA2 protein (p.Arg1323Gln).